The following is an entry in ClinVar:

NM_001295.3(CCR1):c.54T>C (p.Tyr18=)

Gene: CCR1 (C-C motif chemokine receptor 1; minus strand). Cytogenetic location: 3p21.31.
Variant type: single nucleotide variant.
Coding change: c.54T>C on transcript NM_001295.3 (MANE Select); coding-DNA position 54, T replaced by C.
Protein change: p.Tyr18=; no amino-acid change (tyrosine 18 retained).
Molecular consequence: synonymous variant.
Genome position (GRCh38, 1-based): chr3:46,204,260, A>G on the plus strand (T>C on the coding strand, the complement: CCR1 is on the minus strand). VCF-style: chr3-46204260-A-G. GRCh37 (hg19) VCF-style: chr3-46245751-A-G.
Identifiers: ClinVar variation 3027098 (VCV003027098.22), dbSNP rs2529298816, ClinGen allele CA433635855.

ClinVar aggregate classification (germline): Likely benign (1 of 4 stars; one submission).

Submission:

CeGaT Center for Human Genetics Tuebingen
Classification: Likely benign. Last evaluated: 2024-02-01. Review status: criteria provided, single submitter. Criteria: CeGaT Center For Human Genetics Tuebingen Variant Classification Criteria Version 2. Collection method: clinical testing. Allele origin: germline. Affected: yes. Observed: 1 variant allele.
Comment: CCR1: PM2:Supporting, BP4, BP7